The following is an entry in ClinVar:

NM_001142864.4(PIEZO1):c.2731G>A (p.Val911Met)

Genes: HSALR1 (HSP90AB1 associated lncRNA 1; plus strand), PIEZO1 (piezo type mechanosensitive ion channel component 1 (Er blood group); minus strand). Cytogenetic location: 16q24.3.
Variant type: single nucleotide variant.
Coding change: c.2731G>A on transcript NM_001142864.4 (MANE Select); coding-DNA position 2731, G replaced by A.
Protein change: p.Val911Met; replaces valine 911 with methionine.
Molecular consequence: missense variant.
Genome position (GRCh38, 1-based): chr16:88,732,666, C>T on the plus strand (G>A on the coding strand, the complement: PIEZO1 is on the minus strand). VCF-style: chr16-88732666-C-T. GRCh37 (hg19) VCF-style: chr16-88799074-C-T.
Other names: c.2731G>A (NM_001142864.2); short protein forms V911M.
Identifiers: ClinVar variation 1679445 (VCV001679445.17), dbSNP rs554899632, ClinGen allele CA8232718.
Genomic context (GRCh38, chr16:88,732,666, plus strand): 5'-CCTGGATGTAGCCCAGGTTGGGGAACCCTTTCCGCACCCCAAACCAGTTGGCAGGGTCCA[C>T]GGGCCCCCGGTACAGCAGGGACTGGCTGATCTCCGTGGGCAGCAAGTTGGTGCTGTTGGG-3'
Protein context (NP_001136336.2, residues 901-921): ISQSLLYRGP[Val911Met]DPANWFGVRK

ClinVar aggregate classification (germline): Conflicting classifications of pathogenicity. Review status: criteria provided, conflicting classifications (1 of 4 stars). 5 submissions from 5 submitters: Uncertain significance (4); Benign (1). Last evaluated 2025-04-11.

Conditions:
Inborn genetic diseases. Identifiers: MedGen C0950123, MeSH D030342.
Lymphatic malformation 6 (LMPHM6). Also called: GENERALIZED LYMPHATIC DYSPLASIA OF FOTIOU; Lymphedema, hereditary, III; PIEZO1-related generalized lymphatic dysplasia with non-immune hydrops fetalis. Identifiers: Orphanet 568062, MedGen C4225184, MONDO:0014797, OMIM 616843.

Allele frequency attached by ClinVar (database versions not stated): ExAC 0.00012; 1000 Genomes Project 0.00020; 1000 Genomes Project 30x 0.00031.
gnomAD v4.1: 60 of 1,549,666 alleles (0.0039%); highest among the groups gnomAD compares: African/African-American, 0.011%; no homozygotes.

Submissions (5):

Revvity Omics, Revvity
Classification: Uncertain significance. Last evaluated: 2025-04-11. Review status: criteria provided, single submitter. Criteria: ACMG Guidelines, 2015. Collection method: clinical testing. Allele origin: germline.

Clinical Genomics Laboratory, Washington University in St. Louis
Classification: Uncertain significance for Lymphatic malformation 6. Last evaluated: 2024-10-01. Review status: criteria provided, single submitter. Criteria: ACMG Guidelines, 2015. Collection method: clinical testing. Allele origin: germline.
Comment: A PIEZO1 c.2731G>A (p.Val911Met) variant was identified at a near heterozygous allelic fraction of 48.85%, a frequency that may be consistent with germline origin. This variant, to our knowledge, has not been reported in the medical literature and is only observed on 60/1,549,666 alleles in the general population (gnomAD v.4.1.0), indicating it is not a common variant. This variant has been reported in the ClinVar database as a benign variant by one submitter and a variant of uncertain significance by three submitters, all in a germline state (Clinvar ID: 1679445). Computational predictors suggest that the variant does not impact PIEZO1 function. Due to limited information, and based on ACMG/AMP guidelines for variant interpretation (Richards S et al., PMID: 25741868), the clinical significance of the PIEZO1 c.2731G>A (p.Val911Met) variant is uncertain at this time.

Labcorp Genetics (formerly Invitae), Labcorp
Classification: Benign. Last evaluated: 2023-05-29. Review status: criteria provided, single submitter. Criteria: Invitae Variant Classification Sherloc (09022015). Collection method: clinical testing. Allele origin: germline.

Ambry Genetics
Classification: Uncertain significance for Inborn genetic diseases. Last evaluated: 2022-12-01. Review status: criteria provided, single submitter. Criteria: Ambry Variant Classification Scheme 2023. Collection method: clinical testing. Allele origin: germline.

ARUP Laboratories, Molecular Genetics and Genomics, ARUP Laboratories
Classification: Uncertain significance. Last evaluated: 2022-03-23. Review status: criteria provided, single submitter. Criteria: ARUP Molecular Germline Variant Investigation Process 2021. Collection method: clinical testing. Allele origin: germline.